The following is an entry in ClinVar:

ClinVar aggregate classification (germline): Uncertain significance. Review status: criteria provided, multiple submitters, no conflicts (2 of 4 stars). 3 submissions from 3 submitters: Uncertain significance (3). Last evaluated 2026-01-10.

Conditions:
Inborn genetic diseases. Identifiers: MedGen C0950123, MeSH D030342.
Myoclonic dystonia 11 (DYT11). Also called: Myoclonic dystonia; Dystonia 11; Dystonia, alcohol responsive; Hereditary essential myoclonus; DYT-SGCE; SGCE Myoclonus-Dystonia. Identifiers: Orphanet 36899, MedGen C1834570, MONDO:0008044, OMIM 159900.

Allele frequency attached by ClinVar (database versions not stated): gnomAD exomes 0.00001 and 0.00002; TOPMed 0.00001; ExAC 0.00002; gnomAD 0.00002.
gnomAD v4.1: 12 of 1,605,420 alleles (0.00075%); highest among the groups gnomAD compares: South Asian, 0.0044%; no homozygotes.

Submissions (3):

Labcorp Genetics (formerly Invitae), Labcorp
Classification: Uncertain significance for Myoclonic dystonia 11. Last evaluated: 2026-01-10. Review status: criteria provided, single submitter. Criteria: Invitae Variant Classification Sherloc (09022015). Collection method: clinical testing. Allele origin: germline.
Comment: This sequence change replaces proline, which is neutral and non-polar, with leucine, which is neutral and non-polar, at codon 437 of the SGCE protein (p.Pro437Leu). This variant is present in population databases (rs778866625, gnomAD 0.01%). This variant has not been reported in the literature in individuals affected with SGCE-related conditions. ClinVar contains an entry for this variant (Variation ID: 373239). An algorithm developed to predict the effect of missense changes on protein structure and function (PolyPhen-2) suggests that this variant is likely to be disruptive. In summary, the available evidence is currently insufficient to determine the role of this variant in disease. Therefore, it has been classified as a Variant of Uncertain Significance.

Ambry Genetics
Classification: Uncertain significance for Inborn genetic diseases. Last evaluated: 2024-04-20. Review status: criteria provided, single submitter. Criteria: Ambry Variant Classification Scheme 2023. Collection method: clinical testing. Allele origin: germline.

GeneDx
Classification: Uncertain significance. Last evaluated: 2016-11-28. Review status: criteria provided, single submitter. Criteria: GeneDx Variant Classification (06012015). Collection method: clinical testing. Allele origin: germline. Affected: yes.
Comment: The P437L variant in the SGCE gene has not been reported previously as a pathogenic variant, nor as a benign variant, to our knowledge. The P437L variant was not observed in approximately 6500 individuals of European and African American ancestry in the NHLBI Exome Sequencing Project, indicating it is not a common benign variant in these populations. The P437L variant is a semi-conservative amino acid substitution, which may impact secondary protein structure as these residues differ in some properties. This substitution occurs at a position that is not conserved across species. In silico analysis is inconsistent in its predictions as to whether or not the variant is damaging to the protein structure/function. We interpret P437L as a variant of uncertain significance

NM_003919.3(SGCE):c.1310C>T (p.Pro437Leu)

Genes: CASD1 (CAS1 domain sialic acid O acetyltransferase 1; plus strand), SGCE (sarcoglycan epsilon; minus strand). Cytogenetic location: 7q21.3.
Variant type: single nucleotide variant.
Coding change: c.1310C>T on transcript NM_003919.3 (MANE Select); coding-DNA position 1310, C replaced by T.
Protein change: p.Pro437Leu; replaces proline 437 with leucine.
Molecular consequence: missense variant.
Genome position (GRCh38, 1-based): chr7:94,585,503, G>A on the plus strand (C>T on the coding strand, the complement: SGCE is on the minus strand). VCF-style: chr7-94585503-G-A. GRCh37 (hg19) VCF-style: chr7-94214815-G-A.
Other names: c.1318C>T, p.Pro440Ser (NM_001099400.2); c.1385C>T, p.Pro462Leu (NM_001099401.2); c.1187C>T, p.Pro396Leu (NM_001301139.2); c.1418C>T, p.Pro473Leu (NM_001346713.2); c.1391C>T, p.Pro464Leu (NM_001346715.2); c.1283C>T, p.Pro428Leu (NM_001346717.2); c.1223C>T, p.Pro408Leu (NM_001346719.2); c.1037C>T, p.Pro346Leu (NM_001346720.2); and 3 more; short protein forms P437L, P396L, P399L, P387L, P473L, P337L, P408L, P462L.
Identifiers: ClinVar variation 373239 (VCV000373239.5), dbSNP rs778866625, ClinGen allele CA4348533.